The following is an entry in ClinVar:

NM_002691.4(POLD1):c.821C>T (p.Ala274Val)

Gene: POLD1 (DNA polymerase delta 1, catalytic subunit; plus strand). Cytogenetic location: 19q13.33.
Variant type: single nucleotide variant.
Coding change: c.821C>T on transcript NM_002691.4 (MANE Select); coding-DNA position 821, C replaced by T.
Protein change: p.Ala274Val; replaces alanine 274 with valine.
Molecular consequence: missense variant. On other transcripts: non-coding transcript variant (1).
Genome position (GRCh38, 1-based): chr19:50,402,516, C>T. VCF-style: chr19-50402516-C-T. GRCh37 (hg19) VCF-style: chr19-50905773-C-T.
Other names: c.821C>T (NM_002691.2); c.821C>T, p.Ala274Val (NM_001256849.1, NM_001308632.1); short protein forms A274V.
Identifiers: ClinVar variation 1935740 (VCV001935740.6), dbSNP rs2122251150, ClinGen allele CA406975068.
Genomic context (GRCh38, chr19:50,402,516, plus strand): 5'-TCATGGTGGACACGGACATCGTCGGCTGCAACTGGCTGGAGCTCCCAGCTGGGAAATACG[C>T]CCTGAGGCTGAAGGAGAAGGTGCAGGGCTTCCCAGGGCAGGGCTGGGTGGGGAGCTGGTA-3'
Protein context (NP_002682.2, residues 264-284): NWLELPAGKY[Ala274Val]LRLKEKATQC

ClinVar aggregate classification (germline): Conflicting classifications of pathogenicity. Review status: criteria provided, conflicting classifications (1 of 4 stars). 2 submissions from 2 submitters: Uncertain significance (1); Likely benign (1). Last evaluated 2026-04-02.

Conditions:
POLD1-related polyposis and colorectal cancer syndrome (CRCS10). Also called: Colorectal cancer 10; COLORECTAL CANCER, SUSCEPTIBILITY TO, ON CHROMOSOME 19q; Colorectal cancer, susceptibility to, 10. Identifiers: Orphanet 220460, MedGen C2675481, MONDO:0012953, OMIM 612591.
Hereditary cancer-predisposing syndrome. Also called: Tumor predisposition; Hereditary Cancer Syndrome; Hereditary neoplastic syndrome; Neoplastic Syndromes, Hereditary. Identifiers: Orphanet 140162, MedGen C0027672, MeSH D009386, MONDO:0015356.

Submissions (2):

Ambry Genetics
Classification: Likely benign for Hereditary cancer-predisposing syndrome. Last evaluated: 2026-04-02. Review status: criteria provided, single submitter. Criteria: Ambry Variant Classification Scheme 2023. Collection method: clinical testing. Allele origin: germline.

Labcorp Genetics (formerly Invitae), Labcorp
Classification: Uncertain significance for POLD1-related polyposis and colorectal cancer syndrome. Last evaluated: 2025-04-23. Review status: criteria provided, single submitter. Criteria: Invitae Variant Classification Sherloc (09022015). Collection method: clinical testing. Allele origin: germline.
Comment: This sequence change replaces alanine, which is neutral and non-polar, with valine, which is neutral and non-polar, at codon 274 of the POLD1 protein (p.Ala274Val). This variant is not present in population databases (gnomAD no frequency). This variant has not been reported in the literature in individuals affected with POLD1-related conditions. ClinVar contains an entry for this variant (Variation ID: 1935740). Invitae Evidence Modeling of protein sequence and biophysical properties (such as structural, functional, and spatial information, amino acid conservation, physicochemical variation, residue mobility, and thermodynamic stability) indicates that this missense variant is not expected to disrupt POLD1 protein function with a negative predictive value of 80%. In summary, the available evidence is currently insufficient to determine the role of this variant in disease. Therefore, it has been classified as a Variant of Uncertain Significance.